The following is an entry in ClinVar:

ClinVar aggregate classification (germline): Pathogenic (1 of 4 stars; one submission).

Conditions:
Werner syndrome (WRN). Identifiers: Orphanet 902, MedGen C0043119, MONDO:0010196, OMIM 277700.

Submission:

Labcorp Genetics (formerly Invitae), Labcorp
Classification: Pathogenic for Werner syndrome. Last evaluated: 2020-11-11. Review status: criteria provided, single submitter. Criteria: Invitae Variant Classification Sherloc (09022015). Collection method: clinical testing. Allele origin: germline.
Comment: This sequence change creates a premature translational stop signal (p.Lys191*) in the WRN gene. It is expected to result in an absent or disrupted protein product. Loss-of-function variants in WRN are known to be pathogenic (PMID: 16673358). This variant is not present in population databases (ExAC no frequency). This variant has not been reported in the literature in individuals with WRN-related conditions. Algorithms developed to predict the effect of sequence changes on RNA splicing suggest that this variant may create or strengthen a splice site, but this prediction has not been confirmed by published transcriptional studies. For these reasons, this variant has been classified as Pathogenic.

Literature cited by the submitters: PubMed 16673358.

NM_000553.6(WRN):c.571A>T (p.Lys191Ter)

Gene: WRN (WRN RecQ like helicase; plus strand). Cytogenetic location: 8p12.
Variant type: single nucleotide variant.
Coding change: c.571A>T on transcript NM_000553.6 (MANE Select); coding-DNA position 571, A replaced by T.
Protein change: p.Lys191Ter; replaces lysine 191 with a stop codon.
Molecular consequence: nonsense.
Genome position (GRCh38, 1-based): chr8:31,067,099, A>T. VCF-style: chr8-31067099-A-T. GRCh37 (hg19) VCF-style: chr8-30924615-A-T.
Other names: short protein forms K191*.
Identifiers: ClinVar variation 1456167 (VCV001456167.6), dbSNP rs1812737120, ClinGen allele CA370916090.